The following is an entry in ClinVar:

NM_001365536.1(SCN9A):c.4163A>G (p.Asn1388Ser)

Genes: SCN1A-AS1 (SCN1A and SCN9A antisense RNA 1; plus strand), SCN9A (sodium voltage-gated channel alpha subunit 9; minus strand). Cytogenetic location: 2q24.3.
Variant type: single nucleotide variant.
Coding change: c.4163A>G on transcript NM_001365536.1 (MANE Select); coding-DNA position 4163, A replaced by G.
Protein change: p.Asn1388Ser; replaces asparagine 1388 with serine.
Molecular consequence: missense variant.
Genome position (GRCh38, 1-based): chr2:166,228,734, T>C on the plus strand (A>G on the coding strand, the complement: SCN9A is on the minus strand). VCF-style: chr2-166228734-T-C. GRCh37 (hg19) VCF-style: chr2-167085244-T-C.
Other names: c.4130A>G, p.Asn1377Ser (NM_002977.4); short protein forms N1377S, N1388S.
Identifiers: ClinVar variation 1014896 (VCV001014896.11), dbSNP rs923385288, ClinGen allele CA59810232.

ClinVar aggregate classification (germline): Uncertain significance. Review status: criteria provided, multiple submitters, no conflicts (2 of 4 stars). 2 submissions from 2 submitters: Uncertain significance (2). Last evaluated 2022-12-05.

Conditions:
Generalized epilepsy with febrile seizures plus, type 7 (GEFSP7). Also called: GEFS+, TYPE 7. Identifiers: Orphanet 36387, MedGen C2751778, MONDO:0013470, OMIM 613863.
Neuropathy, hereditary sensory and autonomic, type 2A (HSAN2A). Also called: ACROOSTEOLYSIS, GIACCAI TYPE; ACROOSTEOLYSIS, NEUROGENIC; MORVAN DISEASE; NEUROPATHY, CONGENITAL SENSORY; NEUROPATHY, HEREDITARY SENSORY RADICULAR, AUTOSOMAL RECESSIVE; NEUROPATHY, HEREDITARY SENSORY, TYPE IIA. Identifiers: Orphanet 970, MedGen C2752089, MONDO:0024309, OMIM 201300.

Allele frequency attached by ClinVar (database versions not stated): gnomAD exomes below 0.00001; TOPMed below 0.00001; gnomAD 0.00001.

Submissions (2):

GeneDx
Classification: Uncertain significance. Last evaluated: 2022-12-05. Review status: criteria provided, single submitter. Criteria: GeneDx Variant Classification Process June 2021. Collection method: clinical testing. Allele origin: germline. Affected: yes.
Comment: Not observed at significant frequency in large population cohorts (gnomAD); In silico analysis supports that this missense variant has a deleterious effect on protein structure/function; Has not been previously published as pathogenic or benign to our knowledge

Labcorp Genetics (formerly Invitae), Labcorp
Classification: Uncertain significance for Neuropathy, hereditary sensory and autonomic, type 2A; Generalized epilepsy with febrile seizures plus, type 7. Last evaluated: 2020-07-29. Review status: criteria provided, single submitter. Criteria: Invitae Variant Classification Sherloc (09022015). Collection method: clinical testing. Allele origin: germline.
Comment: This variant has not been reported in the literature in individuals with SCN9A-related conditions. In summary, the available evidence is currently insufficient to determine the role of this variant in disease. Therefore, it has been classified as a Variant of Uncertain Significance. Algorithms developed to predict the effect of missense changes on protein structure and function (SIFT, PolyPhen-2, Align-GVGD) all suggest that this variant is likely to be disruptive, but these predictions have not been confirmed by published functional studies and their clinical significance is uncertain. This variant is not present in population databases (ExAC no frequency). This sequence change replaces asparagine with serine at codon 1377 of the SCN9A protein (p.Asn1377Ser). The asparagine residue is highly conserved and there is a small physicochemical difference between asparagine and serine.